The following is an entry in ClinVar:

NM_001278116.2(L1CAM):c.132C>A (p.Arg44=)

Gene: L1CAM (L1 cell adhesion molecule; minus strand). Cytogenetic location: Xq28.
Variant type: single nucleotide variant.
Coding change: c.132C>A on transcript NM_001278116.2 (MANE Select); coding-DNA position 132, C replaced by A.
Protein change: p.Arg44=; no amino-acid change (arginine 44 retained).
Molecular consequence: synonymous variant.
Genome position (GRCh38, 1-based): chrX:153,872,657, G>T on the plus strand (C>A on the coding strand, the complement: L1CAM is on the minus strand). VCF-style: chrX-153872657-G-T. GRCh37 (hg19) VCF-style: chrX-153138112-G-T.
Other names: c.132C>A, p.Arg44= (NM_000425.5, NM_024003.3); c.117C>A, p.Arg39= (NM_001143963.2).
Identifiers: ClinVar variation 3067224 (VCV003067224.22), dbSNP rs374949605, ClinGen allele CA10554656.

ClinVar aggregate classification (germline): Likely benign. Review status: criteria provided, multiple submitters, no conflicts (2 of 4 stars). 2 submissions from 2 submitters: Likely benign (2). Last evaluated 2024-07-17.

Allele frequency attached by ClinVar (database versions not stated): gnomAD 0.00007; ESP Exome Variant Server 0.00009; ExAC 0.00013; TOPMed 0.00004.

Submissions (2):

Blueprint Genetics
Classification: Likely benign. Last evaluated: 2024-07-17. Review status: criteria provided, single submitter. Criteria: ACMG Guidelines, 2015. Collection method: clinical testing. Allele origin: germline.

CeGaT Center for Human Genetics Tuebingen
Classification: Likely benign. Last evaluated: 2024-03-01. Review status: criteria provided, single submitter. Criteria: CeGaT Center For Human Genetics Tuebingen Variant Classification Criteria Version 2. Collection method: clinical testing. Allele origin: germline. Affected: yes. Observed: 1 variant allele.
Comment: L1CAM: BP4, BP7, BS2